The following is an entry in ClinVar:

NM_139058.3(ARX):c.802G>T (p.Val268Leu)

Gene: ARX (aristaless related homeobox; minus strand). Cytogenetic location: Xp21.3.
Variant type: single nucleotide variant.
Coding change: c.802G>T on transcript NM_139058.3 (MANE Select); coding-DNA position 802, G replaced by T.
Protein change: p.Val268Leu; replaces valine 268 with leucine.
Molecular consequence: missense variant.
Genome position (GRCh38, 1-based): chrX:25,013,193, C>A on the plus strand (G>T on the coding strand, the complement: ARX is on the minus strand). VCF-style: chrX-25013193-C-A. GRCh37 (hg19) VCF-style: chrX-25031310-C-A.
Other names: p.V268L:GTG>TTG; short protein forms V268L.
Identifiers: ClinVar variation 156672 (VCV000156672.56), dbSNP rs587783141, ClinGen allele CA294725.

ClinVar aggregate classification (germline): Conflicting classifications of pathogenicity. Review status: criteria provided, conflicting classifications (1 of 4 stars). 8 submissions from 8 submitters: Uncertain significance (1); Benign (3); Likely benign (1). 3 of the submissions do not count toward it. Last evaluated 2025-12-30.

Conditions:
Developmental and epileptic encephalopathy, 1 (DEE1). Also called: X-linked infantile spasms; West's syndrome; Tonic spasms with clustering, arrest of psychomotor development and hypsarrhythmia on EEG; X-Linked Infantile Spasm Syndrome; Epileptic encephalopathy, early infantile, 1; OHTAHARA SYNDROME, X-LINKED. Identifiers: MedGen C3463992, MONDO:0010632, OMIM 308350. Disease mechanism: loss of function.
Intellectual disability, X-linked, with or without seizures, ARX-related. Also called: MENTAL RETARDATION, X-LINKED 29; MENTAL RETARDATION, X-LINKED 32; MENTAL RETARDATION, X-LINKED 33; MENTAL RETARDATION, X-LINKED 38; MENTAL RETARDATION, X-LINKED 43; MENTAL RETARDATION, X-LINKED 76. Identifiers: Orphanet 777, MedGen C0796244, MONDO:0010317, OMIM 300419.
ARX-related disorder. Also called: ARX-Related Disorders; ARX-related condition. Identifiers: MedGen CN378769.
Inborn genetic diseases. Identifiers: MedGen C0950123, MeSH D030342.

Allele frequency attached by ClinVar (database versions not stated): TOPMed 0.00024; gnomAD exomes 0.00061 and 0.00145; gnomAD 0.00088 and 0.00093; ExAC 0.00295.
gnomAD v4.1: 771 of 1,177,440 alleles (0.065%); highest among the groups gnomAD compares: Non-Finnish European, 0.035%; 2 homozygotes.

Submissions (8):

Labcorp Genetics (formerly Invitae), Labcorp
Classification: Benign for Developmental and epileptic encephalopathy, 1; Intellectual disability, X-linked, with or without seizures, ARX-related. Last evaluated: 2025-12-30. Review status: criteria provided, single submitter. Criteria: Invitae Variant Classification Sherloc (09022015). Collection method: clinical testing. Allele origin: germline.

Blueprint Genetics
Classification: Likely benign. Last evaluated: 2024-11-25. Review status: criteria provided, single submitter. Criteria: ACMG Guidelines, 2015. Collection method: clinical testing. Allele origin: germline.

Ambry Genetics
Classification: Benign for Inborn genetic diseases. Last evaluated: 2019-08-20. Review status: criteria provided, single submitter. Criteria: Ambry Variant Classification Scheme 2023. Collection method: clinical testing. Allele origin: germline.

GeneDx
Classification: Benign. Last evaluated: 2018-01-29. Review status: criteria provided, single submitter. Criteria: GeneDx Variant Classification (06012015). Collection method: clinical testing. Allele origin: germline. Affected: yes.
Comment: This variant is considered likely benign or benign based on one or more of the following criteria: it is a conservative change, it occurs at a poorly conserved position in the protein, it is predicted to be benign by multiple in silico algorithms, and/or has population frequency not consistent with disease.

CeGaT Center for Human Genetics Tuebingen
Classification: Uncertain significance. Last evaluated: 2016-06-01. Review status: criteria provided, single submitter. Criteria: CeGaT Center For Human Genetics Tuebingen Variant Classification Criteria Version 2. Collection method: clinical testing. Allele origin: germline. Affected: yes. Observed: 1 variant allele.

PreventionGenetics, part of Exact Sciences
Classification: Benign for ARX-related condition. Last evaluated: 2019-09-26. Review status: no assertion criteria provided. Collection method: clinical testing. Allele origin: germline. Not counted in ClinVar's aggregate classification.
Comment: This variant is classified as benign based on ACMG/AMP sequence variant interpretation guidelines (Richards et al. 2015 PMID: 25741868, with internal and published modifications).

Clinical Genetics DNA and cytogenetics Diagnostics Lab, Erasmus MC, Erasmus Medical Center
Classification: Likely benign. Review status: no assertion criteria provided. Collection method: clinical testing. Allele origin: germline. Affected: yes. Study: VKGL Data-share Consensus. Not counted in ClinVar's aggregate classification.

Genome Diagnostics Laboratory, University Medical Center Utrecht
Classification: Likely benign. Review status: no assertion criteria provided. Collection method: clinical testing. Allele origin: germline. Affected: yes. Study: VKGL Data-share Consensus. Not counted in ClinVar's aggregate classification.